The following is an entry in ClinVar:

NM_001376.5(DYNC1H1):c.9470C>T (p.Ala3157Val)

Gene: DYNC1H1 (dynein cytoplasmic 1 heavy chain 1; plus strand). Cytogenetic location: 14q32.31.
Variant type: single nucleotide variant.
Coding change: c.9470C>T on transcript NM_001376.5 (MANE Select); coding-DNA position 9470, C replaced by T.
Protein change: p.Ala3157Val; replaces alanine 3157 with valine.
Molecular consequence: missense variant.
Genome position (GRCh38, 1-based): chr14:102,029,540, C>T. VCF-style: chr14-102029540-C-T. GRCh37 (hg19) VCF-style: chr14-102495877-C-T.
Other names: short protein forms A3157V.
Identifiers: ClinVar variation 1801195 (VCV001801195.19), dbSNP rs2503810632, ClinGen allele CA391015099.

ClinVar aggregate classification (germline): Uncertain significance. Review status: criteria provided, multiple submitters, no conflicts (2 of 4 stars). 2 submissions from 2 submitters: Uncertain significance (2). Last evaluated 2024-07-01.

Allele frequency attached by ClinVar (database versions not stated): gnomAD exomes below 0.00001.
gnomAD v4.1: 1 of 1,614,144 alleles (0.000062%); highest among the groups gnomAD compares: East Asian, 0.0022%; no homozygotes.

Submissions (2):

CeGaT Center for Human Genetics Tuebingen
Classification: Uncertain significance. Last evaluated: 2024-07-01. Review status: criteria provided, single submitter. Criteria: CeGaT Center For Human Genetics Tuebingen Variant Classification Criteria Version 2. Collection method: clinical testing. Allele origin: germline. Affected: yes. Observed: 1 variant allele.
Comment: DYNC1H1: PM2, PP2

GeneDx
Classification: Uncertain significance. Last evaluated: 2022-05-25. Review status: criteria provided, single submitter. Criteria: GeneDx Variant Classification Process June 2021. Collection method: clinical testing. Allele origin: germline. Affected: yes.
Comment: Not observed at significant frequency in large population cohorts (gnomAD); In silico analysis supports that this missense variant has a deleterious effect on protein structure/function; Has not been previously published as pathogenic or benign to our knowledge